The following is an entry in ClinVar:

NM_021072.4(HCN1):c.976C>T (p.Pro326Ser)

Gene: HCN1 (hyperpolarization activated cyclic nucleotide gated potassium channel 1; minus strand). Cytogenetic location: 5p12.
Variant type: single nucleotide variant.
Coding change: c.976C>T on transcript NM_021072.4 (MANE Select); coding-DNA position 976, C replaced by T.
Protein change: p.Pro326Ser; replaces proline 326 with serine.
Molecular consequence: missense variant.
Genome position (GRCh38, 1-based): chr5:45,461,881, G>A on the plus strand (C>T on the coding strand, the complement: HCN1 is on the minus strand). VCF-style: chr5-45461881-G-A. GRCh37 (hg19) VCF-style: chr5-45461983-G-A.
Other names: short protein forms P326S.
Identifiers: ClinVar variation 3364945 (VCV003364945.1).

ClinVar aggregate classification (germline): Uncertain significance (1 of 4 stars; one submission).

Submission:

GeneDx
Classification: Uncertain significance. Last evaluated: 2023-11-26. Review status: criteria provided, single submitter. Criteria: GeneDx Variant Classification Process June 2021. Collection method: clinical testing. Allele origin: germline. Affected: yes.
Comment: Not observed at significant frequency in large population cohorts (gnomAD); In silico analysis supports that this missense variant has a deleterious effect on protein structure/function; Has not been previously published as pathogenic or benign to our knowledge